The following is an entry in ClinVar:

ClinVar aggregate classification (germline): Uncertain significance. Review status: criteria provided, multiple submitters, no conflicts (2 of 4 stars). 2 submissions from 2 submitters: Uncertain significance (2). Last evaluated 2024-10-30.

Conditions:
Developmental and epileptic encephalopathy, 12 (DEE12). Identifiers: MedGen C3150988, MONDO:0013389, OMIM 613722.

Allele frequency attached by ClinVar (database versions not stated): TOPMed 0.00001; gnomAD 0.00003.
gnomAD v4.1: 7 of 1,614,042 alleles (0.00043%); highest among the groups gnomAD compares: South Asian, 0.0011%; no homozygotes.

Submissions (2):

Labcorp Genetics (formerly Invitae), Labcorp
Classification: Uncertain significance for Developmental and epileptic encephalopathy, 12. Last evaluated: 2024-10-30. Review status: criteria provided, single submitter. Criteria: Invitae Variant Classification Sherloc (09022015). Collection method: clinical testing. Allele origin: germline.
Comment: This sequence change replaces phenylalanine, which is neutral and non-polar, with leucine, which is neutral and non-polar, at codon 495 of the PNKP protein (p.Phe495Leu). This variant is present in population databases (no rsID available, gnomAD 0.007%). This variant has not been reported in the literature in individuals affected with PNKP-related conditions. ClinVar contains an entry for this variant (Variation ID: 432917). Invitae Evidence Modeling of protein sequence and biophysical properties (such as structural, functional, and spatial information, amino acid conservation, physicochemical variation, residue mobility, and thermodynamic stability) indicates that this missense variant is not expected to disrupt PNKP protein function with a negative predictive value of 80%. In summary, the available evidence is currently insufficient to determine the role of this variant in disease. Therefore, it has been classified as a Variant of Uncertain Significance.

GeneDx
Classification: Uncertain significance. Last evaluated: 2017-06-21. Review status: criteria provided, single submitter. Criteria: GeneDx Variant Classification (06012015). Collection method: clinical testing. Allele origin: germline. Affected: yes.
Comment: A variant of uncertain significance has been identified in the PNKP gene. The F495L variant has not been published as a pathogenic variant, nor has it been reported as a benign variant to our knowledge. The F495Lvariant is not observed in large population cohorts (Lek et al., 2016; 1000 Genomes Consortium et al., 2015; Exome Variant Server). This substitution occurs at a position that is conserved across species and in silico analysis predicts this variant is probably damaging to the protein structure/function. However, the F495L variant is a conservative amino acid substitution, which is not likely to impact secondary protein structure as these residues share similar properties. Therefore, based on the currently available information, it is unclear whether this variant is a pathogenic variant or a rare benign variant.

NM_007254.4(PNKP):c.1483T>C (p.Phe495Leu)

Gene: PNKP (polynucleotide kinase 3'-phosphatase; minus strand). Cytogenetic location: 19q13.33.
Variant type: single nucleotide variant.
Coding change: c.1483T>C on transcript NM_007254.4 (MANE Select); coding-DNA position 1483, T replaced by C.
Protein change: p.Phe495Leu; replaces phenylalanine 495 with leucine.
Molecular consequence: missense variant.
Genome position (GRCh38, 1-based): chr19:49,861,331, A>G on the plus strand (T>C on the coding strand, the complement: PNKP is on the minus strand). VCF-style: chr19-49861331-A-G. GRCh37 (hg19) VCF-style: chr19-50364588-A-G.
Other names: short protein forms F495L.
Identifiers: ClinVar variation 432917 (VCV000432917.7), dbSNP rs1165689250, ClinGen allele CA406932504.